The following is an entry in ClinVar:

ClinVar aggregate classification (germline): Uncertain significance. Review status: criteria provided, multiple submitters, no conflicts (2 of 4 stars). 2 submissions from 2 submitters: Uncertain significance (2). Last evaluated 2025-08-04.

Conditions:
Inborn genetic diseases. Identifiers: MedGen C0950123, MeSH D030342.

Allele frequency attached by ClinVar (database versions not stated): ExAC 0.00001; gnomAD 0.00001; gnomAD exomes 0.00001; TOPMed 0.00001; ESP Exome Variant Server 0.00008.
gnomAD v4.1: 15 of 1,613,286 alleles (0.00093%); highest among the groups gnomAD compares: African/African-American, 0.0013%; no homozygotes.

Submissions (2):

Ambry Genetics
Classification: Uncertain significance for Inborn genetic diseases. Last evaluated: 2025-08-04. Review status: criteria provided, single submitter. Criteria: Ambry Variant Classification Scheme 2023. Collection method: clinical testing. Allele origin: germline.

Labcorp Genetics (formerly Invitae), Labcorp
Classification: Uncertain significance. Last evaluated: 2025-04-14. Review status: criteria provided, single submitter. Criteria: Invitae Variant Classification Sherloc (09022015). Collection method: clinical testing. Allele origin: germline.
Comment: This sequence change replaces arginine, which is basic and polar, with lysine, which is basic and polar, at codon 1385 of the POLR1A protein (p.Arg1385Lys). This variant is present in population databases (rs369146178, gnomAD 0.007%). This variant has not been reported in the literature in individuals affected with POLR1A-related conditions. ClinVar contains an entry for this variant (Variation ID: 2712344). Invitae Evidence Modeling of protein sequence and biophysical properties (such as structural, functional, and spatial information, amino acid conservation, physicochemical variation, residue mobility, and thermodynamic stability) indicates that this missense variant is not expected to disrupt POLR1A protein function with a negative predictive value of 80%. In summary, the available evidence is currently insufficient to determine the role of this variant in disease. Therefore, it has been classified as a Variant of Uncertain Significance.

NM_015425.6(POLR1A):c.4154G>A (p.Arg1385Lys)

Gene: POLR1A (RNA polymerase I subunit A; minus strand). Cytogenetic location: 2p11.2.
Variant type: single nucleotide variant.
Coding change: c.4154G>A on transcript NM_015425.6 (MANE Select); coding-DNA position 4154, G replaced by A.
Protein change: p.Arg1385Lys; replaces arginine 1385 with lysine.
Molecular consequence: missense variant.
Genome position (GRCh38, 1-based): chr2:86,033,668, C>T on the plus strand (G>A on the coding strand, the complement: POLR1A is on the minus strand). VCF-style: chr2-86033668-C-T. GRCh37 (hg19) VCF-style: chr2-86260791-C-T.
Other names: c.4154G>A (NM_015425.3); short protein forms R1385K.
Identifiers: ClinVar variation 2712344 (VCV002712344.4), dbSNP rs369146178, ClinGen allele CA1745584.
Genomic context (GRCh38, chr2:86,033,668, plus strand): 5'-CAGTCTGGGGGCTGTCCCTGTGCAACTCTAGTGACCCCCGGGGACTCACTCACCCGACTC[C>T]TCCCCAACTCCCCAGCGTTGTCCAGATCCCGCTGTGTAGCTCTTCGAGTGTTTACGTTCC-3'
Protein context (NP_056240.2, residues 1375-1395): RDLDNAGELG[Arg1385Lys]SRGEQEGDEE